The following is an entry in ClinVar:

ClinVar aggregate classification (germline): Uncertain significance. Review status: criteria provided, multiple submitters, no conflicts (2 of 4 stars). 2 submissions from 2 submitters: Uncertain significance (2). Last evaluated 2023-12-31.

Conditions:
Cardiovascular phenotype. Identifiers: MedGen CN230736.

Allele frequency attached by ClinVar (database versions not stated): gnomAD exomes below 0.00001.
gnomAD v4.1: 1 of 1,613,952 alleles (0.000062%); highest among the groups gnomAD compares: Non-Finnish European, 0.000085%; no homozygotes.

Submissions (2):

Ambry Genetics
Classification: Uncertain significance for Cardiovascular phenotype. Last evaluated: 2023-12-31. Review status: criteria provided, single submitter. Criteria: Ambry Variant Classification Scheme 2023. Collection method: clinical testing. Allele origin: germline.
Comment: The p.K457R variant (also known as c.1370A>G), located in coding exon 9 of the LPL gene, results from an A to G substitution at nucleotide position 1370. The lysine at codon 457 is replaced by arginine, an amino acid with highly similar properties. This amino acid position is conserved. In addition, this alteration is predicted to be tolerated by in silico analysis. Since supporting evidence is limited at this time, the clinical significance of this alteration remains unclear.

Blueprint Genetics
Classification: Uncertain significance. Last evaluated: 2018-11-20. Review status: criteria provided, single submitter. Criteria: ACMG Guidelines, 2015. Collection method: clinical testing. Allele origin: germline.

NM_000237.3(LPL):c.1370A>G (p.Lys457Arg)

Gene: LPL (lipoprotein lipase; plus strand). Cytogenetic location: 8p21.3.
Variant type: single nucleotide variant.
Coding change: c.1370A>G on transcript NM_000237.3 (MANE Select); coding-DNA position 1370, A replaced by G.
Protein change: p.Lys457Arg; replaces lysine 457 with arginine.
Molecular consequence: missense variant.
Genome position (GRCh38, 1-based): chr8:19,962,162, A>G. VCF-style: chr8-19962162-A-G. GRCh37 (hg19) VCF-style: chr8-19819673-A-G.
Other names: short protein forms K457R.
Identifiers: ClinVar variation 3230718 (VCV003230718.2), dbSNP rs2540112534, ClinGen allele CA370639042.
Genomic context (GRCh38, chr8:19,962,162, plus strand): 5'-TTTTCTTCCACAGGGTGATCTTCTGTTCTAGGGAGAAAGTGTCTCATTTGCAGAAAGGAA[A>G]GGCACCTGCGGTATTTGTGAAATGCCATGACAAGTCTCTGAATAAGAAGTCAGGCTGGTG-3'
Protein context (NP_000228.1, residues 447-467): REKVSHLQKG[Lys457Arg]APAVFVKCHD